The following is an entry in ClinVar:

NM_016562.4(TLR7):c.2895A>C (p.Glu965Asp)

Gene: TLR7 (toll like receptor 7; plus strand). Cytogenetic location: Xp22.2.
Variant type: single nucleotide variant.
Coding change: c.2895A>C on transcript NM_016562.4 (MANE Select); coding-DNA position 2895, A replaced by C.
Protein change: p.Glu965Asp; replaces glutamic acid 965 with aspartic acid.
Molecular consequence: missense variant.
Genome position (GRCh38, 1-based): chrX:12,888,403, A>C. VCF-style: chrX-12888403-A-C. GRCh37 (hg19) VCF-style: chrX-12906522-A-C.
Other names: short protein forms E965D.
Identifiers: ClinVar variation 4780751 (VCV004780751.1).

ClinVar aggregate classification (germline): Uncertain significance (1 of 4 stars; one submission).

gnomAD v4.1: 8 of 1,212,147 alleles (0.00066%); highest among the groups gnomAD compares: Non-Finnish European, 0.00078%; no homozygotes.

Submission:

Labcorp Genetics (formerly Invitae), Labcorp
Classification: Uncertain significance. Last evaluated: 2025-09-09. Review status: criteria provided, single submitter. Criteria: Invitae Variant Classification Sherloc (09022015). Collection method: clinical testing. Allele origin: germline.
Comment: This sequence change replaces glutamic acid, which is acidic and polar, with aspartic acid, which is acidic and polar, at codon 965 of the TLR7 protein (p.Glu965Asp). This variant is present in population databases (no rsID available, gnomAD 0.002%). This variant has not been reported in the literature in individuals affected with TLR7-related conditions. An algorithm developed to predict the effect of missense changes on protein structure and function (PolyPhen-2) suggests that this variant is likely to be disruptive. In summary, the available evidence is currently insufficient to determine the role of this variant in disease. Therefore, it has been classified as a Variant of Uncertain Significance.